The following is an entry in ClinVar:

ClinVar aggregate classification (germline): Uncertain significance (1 of 4 stars; one submission).

Allele frequency attached by ClinVar (database versions not stated): gnomAD exomes below 0.00001.

Submission:

Labcorp Genetics (formerly Invitae), Labcorp
Classification: Uncertain significance. Last evaluated: 2021-01-16. Review status: criteria provided, single submitter. Criteria: Invitae Variant Classification Sherloc (09022015). Collection method: clinical testing. Allele origin: germline.
Comment: Advanced modeling of protein sequence and biophysical properties (such as structural, functional, and spatial information, amino acid conservation, physicochemical variation, residue mobility, and thermodynamic stability) performed at Invitae indicates that this missense variant is expected to disrupt GNAT2 protein function. In summary, the available evidence is currently insufficient to determine the role of this variant in disease. Therefore, it has been classified as a Variant of Uncertain Significance. This variant has not been reported in the literature in individuals with GNAT2-related conditions. This variant is not present in population databases (ExAC no frequency). This sequence change replaces lysine with glutamic acid at codon 317 of the GNAT2 protein (p.Lys317Glu). The lysine residue is highly conserved and there is a small physicochemical difference between lysine and glutamic acid.

NM_001377295.2(GNAT2):c.949A>G (p.Lys317Glu)

Gene: GNAT2 (G protein subunit alpha transducin 2; minus strand). Cytogenetic location: 1p13.3.
Variant type: single nucleotide variant.
Coding change: c.949A>G on transcript NM_001377295.2 (MANE Select); coding-DNA position 949, A replaced by G.
Protein change: p.Lys317Glu; replaces lysine 317 with glutamic acid.
Molecular consequence: missense variant.
Genome position (GRCh38, 1-based): chr1:109,603,470, T>C on the plus strand (A>G on the coding strand, the complement: GNAT2 is on the minus strand). VCF-style: chr1-109603470-T-C. GRCh37 (hg19) VCF-style: chr1-110146092-T-C.
Other names: c.949A>G, p.Lys317Glu (NM_001379232.1, NM_005272.5); short protein forms K317E.
Identifiers: ClinVar variation 1403882 (VCV001403882.8), dbSNP rs1419203047, ClinGen allele CA341532237.